The following is an entry in ClinVar:

NM_001130965.3(SUN1):c.366C>T (p.Val122=)

Gene: SUN1 (Sad1 and UNC84 domain containing 1; plus strand). Cytogenetic location: 7p22.3.
Variant type: single nucleotide variant.
Coding change: c.366C>T on transcript NM_001130965.3 (MANE Select); coding-DNA position 366, C replaced by T.
Protein change: p.Val122=; no amino-acid change (valine 122 retained).
Molecular consequence: synonymous variant. On other transcripts: 5 prime UTR variant (4), non-coding transcript variant (3).
Genome position (GRCh38, 1-based): chr7:842,045, C>T. VCF-style: chr7-842045-C-T. GRCh37 (hg19) VCF-style: chr7-881682-C-T.
Other names: p.Val122=; c.177C>T, p.Val59= (NM_001367695.1); c.366C>T, p.Val122= (NM_001367698.1, NM_001367699.1, NM_001367700.1 and 34 more transcripts); c.216C>T, p.Val72= (NM_001367701.1, NM_001367636.1, NM_001367637.1 and 24 more transcripts); c.429C>T, p.Val143= (NM_001171945.2); c.-92C>T (NM_001367635.1); c.-202C>T (NM_001367639.1, NM_001367708.1); c.585C>T, p.Val195= (NM_001367651.1); and 1 more.
Identifiers: ClinVar variation 461660 (VCV000461660.15), dbSNP rs41273066, ClinGen allele CA4111483.

ClinVar aggregate classification (germline): Benign. Review status: criteria provided, multiple submitters, no conflicts (2 of 4 stars). 3 submissions from 3 submitters: Benign (2). 1 of the submissions does not count toward it. Last evaluated 2026-02-01.

Conditions:
SUN1-related disorder. Also called: SUN1-related condition.
Emery-Dreifuss muscular dystrophy (EDMD). Also called: Scapuloperoneal syndrome, X-linked (formerly); Humeroperoneal neuromuscular disease, (formerly). Identifiers: Orphanet 261, MedGen C0410189, MONDO:0016830.

Allele frequency attached by ClinVar (database versions not stated): gnomAD 0.01042 and 0.01076; TOPMed 0.01051; ESP Exome Variant Server 0.01124; ExAC 0.01157; gnomAD exomes 0.01165 and 0.01519; 1000 Genomes Project 30x 0.00765; 1000 Genomes Project 0.00819.
gnomAD v4.1: 23,812 of 1,614,188 alleles (1.5%); highest among the groups gnomAD compares: South Asian, 1.9%; 241 homozygotes.

Submissions (3):

Labcorp Genetics (formerly Invitae), Labcorp
Classification: Benign for Emery-Dreifuss muscular dystrophy. Last evaluated: 2026-02-01. Review status: criteria provided, single submitter. Criteria: Invitae Variant Classification Sherloc (09022015). Collection method: clinical testing. Allele origin: germline.

Mayo Clinic Laboratories, Mayo Clinic
Classification: Benign. Last evaluated: 2023-04-12. Review status: criteria provided, single submitter. Criteria: ACMG Guidelines, 2015. Collection method: clinical testing. Allele origin: germline. Observed: 16 variant alleles.
Comment: BS1, BS2, BP4, BP7

PreventionGenetics, part of Exact Sciences
Classification: Benign for SUN1-related condition. Last evaluated: 2019-02-20. Review status: no assertion criteria provided. Collection method: clinical testing. Allele origin: germline. Not counted in ClinVar's aggregate classification.
Comment: This variant is classified as benign based on ACMG/AMP sequence variant interpretation guidelines (Richards et al. 2015 PMID: 25741868, with internal and published modifications).